The following is an entry in ClinVar:

ClinVar aggregate classification (germline): Pathogenic (1 of 4 stars; one submission).

Submission:

CeGaT Center for Human Genetics Tuebingen
Classification: Pathogenic. Last evaluated: 2025-10-01. Review status: criteria provided, single submitter. Criteria: CeGaT Center For Human Genetics Tuebingen Variant Classification Criteria Version 2. Collection method: clinical testing. Allele origin: germline. Affected: yes. Observed: 1 variant allele.
Comment: POLR3B: PVS1, PM2

NM_018082.6(POLR3B):c.2571-1del

Gene: POLR3B (RNA polymerase III subunit B; plus strand). Cytogenetic location: 12q23.3.
Variant type: Deletion.
Coding change: c.2571-1del on transcript NM_018082.6 (MANE Select); the canonical splice acceptor site of the intron before coding-DNA position 2571, one base deleted (G; older notation c.2571-1delG).
Molecular consequence: splice acceptor variant.
Genome position (GRCh38, 1-based): chr12:106,463,477, G deleted. VCF-style (leftmost placement, unchanged base first): chr12-106463476-AG-A. GRCh37 (hg19) VCF-style: chr12-106857254-AG-A.
Other names: c.2397-1del (NM_001160708.2).
Identifiers: ClinVar variation 4534986 (VCV004534986.6).